The following is an entry in ClinVar:

NM_003901.4(SGPL1):c.219A>C (p.Lys73Asn)

Gene: SGPL1 (sphingosine-1-phosphate lyase 1; plus strand). Cytogenetic location: 10q22.1.
Variant type: single nucleotide variant.
Coding change: c.219A>C on transcript NM_003901.4 (MANE Select); coding-DNA position 219, A replaced by C.
Protein change: p.Lys73Asn; replaces lysine 73 with asparagine.
Molecular consequence: missense variant. On other transcripts: 5 prime UTR variant (1), non-coding transcript variant (1).
Genome position (GRCh38, 1-based): chr10:70,851,168, A>C. VCF-style: chr10-70851168-A-C. GRCh37 (hg19) VCF-style: chr10-72610925-A-C.
Other names: c.-22A>C (NM_001437828.1); c.219A>C, p.Lys73Asn (NM_001438353.1, NM_001438354.1, NM_001438355.1 and 2 more transcripts); short protein forms K73N.
Identifiers: ClinVar variation 4700403 (VCV004700403.1).

ClinVar aggregate classification (germline): Uncertain significance (1 of 4 stars; one submission).

gnomAD v4.1: 12 of 1,613,828 alleles (0.00074%); highest among the groups gnomAD compares: Non-Finnish European, 0.001%; no homozygotes.

Submission:

Labcorp Genetics (formerly Invitae), Labcorp
Classification: Uncertain significance. Last evaluated: 2025-05-04. Review status: criteria provided, single submitter. Criteria: Invitae Variant Classification Sherloc (09022015). Collection method: clinical testing. Allele origin: germline.
Comment: This sequence change replaces lysine, which is basic and polar, with asparagine, which is neutral and polar, at codon 73 of the SGPL1 protein (p.Lys73Asn). This variant is present in population databases (rs370259398, gnomAD 0.002%). This variant has not been reported in the literature in individuals affected with SGPL1-related conditions. An algorithm developed to predict the effect of missense changes on protein structure and function (PolyPhen-2) suggests that this variant is likely to be tolerated. In summary, the available evidence is currently insufficient to determine the role of this variant in disease. Therefore, it has been classified as a Variant of Uncertain Significance.